The following is an entry in ClinVar:

ClinVar aggregate classification (germline): Likely benign (1 of 4 stars; one submission).

gnomAD v4.1: 14 of 1,531,622 alleles (0.00091%); highest among the groups gnomAD compares: Non-Finnish European, 0.0012%; no homozygotes.

Submission:

CeGaT Center for Human Genetics Tuebingen
Classification: Likely benign. Last evaluated: 2026-01-01. Review status: criteria provided, single submitter. Criteria: CeGaT Center For Human Genetics Tuebingen Variant Classification Criteria Version 2. Collection method: clinical testing. Allele origin: germline. Affected: yes. Observed: 2 variant alleles.
Comment: PIEZO1: BP4, BP7

NM_001142864.4(PIEZO1):c.1218C>G (p.Pro406=)

Genes: HSALR1 (HSP90AB1 associated lncRNA 1; plus strand), PIEZO1 (piezo type mechanosensitive ion channel component 1 (Er blood group); minus strand). Cytogenetic location: 16q24.3.
Variant type: single nucleotide variant.
Coding change: c.1218C>G on transcript NM_001142864.4 (MANE Select); coding-DNA position 1218, C replaced by G.
Protein change: p.Pro406=; no amino-acid change (proline 406 retained).
Molecular consequence: synonymous variant.
Genome position (GRCh38, 1-based): chr16:88,736,717, G>C on the plus strand (C>G on the coding strand, the complement: PIEZO1 is on the minus strand). VCF-style: chr16-88736717-G-C. GRCh37 (hg19) VCF-style: chr16-88803125-G-C.
Identifiers: ClinVar variation 4821647 (VCV004821647.4).